The following is an entry in ClinVar:

NM_002168.4(IDH2):c.423_424insT (p.Ile142fs)

Gene: IDH2 (isocitrate dehydrogenase (NADP(+)) 2; minus strand). Cytogenetic location: 15q26.1.
Variant type: Insertion.
Coding change: c.423_424insT on transcript NM_002168.4 (MANE Select); coding-DNA positions 423 to 424, T inserted.
Protein change: p.Ile142fs; shifts the reading frame from isoleucine 142.
Molecular consequence: frameshift variant.
Genome position: GRCh38 VCF-style: chr15-90088697-T-TA. GRCh37 (hg19) VCF-style: chr15-90631929-T-TA.
Other names: c.267_268insT, p.Ile90fs (NM_001289910.1); c.33_34insT, p.Ile12fs (NM_001290114.2); short protein forms I12fs, I142fs, I90fs.
Identifiers: ClinVar variation 3237380 (VCV003237380.1), dbSNP rs2505793057.
Genomic context (GRCh38, chr15:90,088,697, plus strand): 5'-GGACTAGGCGTGGGATGTTTTTGCAGATGATGGGCTCCCGGAAGACAGTCCCCCCCAGGA[T>TA]GTTCCGGATAGTTCCATTGGGACTTTTCCACATCTTCTTCAGCTTGAACTCTGTGAGGAC-3'

ClinVar aggregate classification (germline): Uncertain significance (1 of 4 stars; one submission).

Conditions:
D-2-hydroxyglutaric aciduria 2 (D2HGA2). Identifiers: Orphanet 79315, MedGen C3150909, MONDO:0013345, OMIM 613657.

Submission:

Clinical Genomics Laboratory, Washington University in St. Louis
Classification: Uncertain significance for D-2-hydroxyglutaric aciduria 2. Last evaluated: 2024-04-24. Review status: criteria provided, single submitter. Criteria: ACMG Guidelines, 2015. Collection method: clinical testing. Allele origin: germline.
Comment: The IDH2 c.423_424insT (p.Ile142Tyrfs*130) variant was identified at a near heterozygous allelic fraction of 49.4%, a frequency which may be consistent with it being of germline origin. This variant is absent from the general population (gnomAD v4.1.0), indicating it is not a common variant. This variant, to our knowledge, has not been reported in the medical literature. Due to limited information and based on ACMG/AMP guidelines for variant interpretation (Richards S et al., PMID: 25741868), the clinical significance of this variant is uncertain at this time.